The following is an entry in ClinVar:

ClinVar aggregate classification (germline): Benign/Likely benign. Review status: criteria provided, multiple submitters, no conflicts (2 of 4 stars). 3 submissions from 3 submitters: Benign (1); Likely benign (2). Last evaluated 2025-05-14.

Conditions:
Tuberous sclerosis 2 (TSC2). Identifiers: Orphanet 805, MedGen C1860707, MONDO:0013199, OMIM 613254.
Hereditary cancer-predisposing syndrome. Also called: Tumor predisposition; Neoplastic Syndromes, Hereditary; Hereditary Cancer Syndrome; Hereditary neoplastic syndrome. Identifiers: Orphanet 140162, MedGen C0027672, MeSH D009386, MONDO:0015356.

Allele frequency attached by ClinVar (database versions not stated): gnomAD exomes 0.00001; ExAC 0.00005.
gnomAD v4.1: 1 of 1,551,460 alleles (0.000064%); highest among the groups gnomAD compares: South Asian, 0.0012%; no homozygotes.

Submissions (3):

Myriad Genetics, Inc.
Classification: Benign for Tuberous sclerosis 2. Last evaluated: 2025-05-14. Review status: criteria provided, single submitter. Criteria: Myriad Autosomal Dominant, Autosomal Recessive and X-Linked Classification Criteria (2023). Collection method: clinical testing. Allele origin: unknown.
Comment: This variant is considered benign. This variant is a silent/synonymous amino acid change and it is not expected to impact splicing.

Labcorp Genetics (formerly Invitae), Labcorp
Classification: Likely benign for Tuberous sclerosis 2. Last evaluated: 2020-12-29. Review status: criteria provided, single submitter. Criteria: Invitae Variant Classification Sherloc (09022015). Collection method: clinical testing. Allele origin: germline.

Ambry Genetics
Classification: Likely benign for Hereditary cancer-predisposing syndrome. Last evaluated: 2020-09-16. Review status: criteria provided, single submitter. Criteria: Ambry Variant Classification Scheme 2023. Collection method: clinical testing. Allele origin: germline.

NM_000548.5(TSC2):c.1404G>A (p.Val468=)

Gene: TSC2 (TSC complex subunit 2; plus strand). Cytogenetic location: 16p13.3.
Variant type: single nucleotide variant.
Coding change: c.1404G>A on transcript NM_000548.5 (MANE Select); coding-DNA position 1404, G replaced by A.
Protein change: p.Val468=; no amino-acid change (valine 468 retained).
Molecular consequence: synonymous variant.
Genome position (GRCh38, 1-based): chr16:2,063,014, G>A. VCF-style: chr16-2063014-G-A. GRCh37 (hg19) VCF-style: chr16-2113015-G-A.
Other names: c.1404G>A, p.Val468= (NM_001077183.3, NM_001114382.3, NM_001363528.2 and 3 more transcripts); c.1293G>A, p.Val431= (NM_001318827.2); c.1257G>A, p.Val419= (NM_001318829.2); c.804G>A, p.Val268= (NM_001318831.2); c.1437G>A, p.Val479= (NM_001318832.2).
Identifiers: ClinVar variation 1089230 (VCV001089230.12), dbSNP rs778247396, ClinGen allele CA030201.